The following is an entry in ClinVar:

ClinVar aggregate classification (germline): Uncertain significance (1 of 4 stars; one submission).

Allele frequency attached by ClinVar (database versions not stated): gnomAD exomes below 0.00001.
gnomAD v4.1: 2 of 1,614,048 alleles (0.00012%); highest among the groups gnomAD compares: Admixed American, 0.0033%; no homozygotes.

Submission:

Labcorp Genetics (formerly Invitae), Labcorp
Classification: Uncertain significance. Last evaluated: 2021-05-01. Review status: criteria provided, single submitter. Criteria: Invitae Variant Classification Sherloc (09022015). Collection method: clinical testing. Allele origin: germline.
Comment: In summary, the available evidence is currently insufficient to determine the role of this variant in disease. Therefore, it has been classified as a Variant of Uncertain Significance. Advanced modeling of protein sequence and biophysical properties (such as structural, functional, and spatial information, amino acid conservation, physicochemical variation, residue mobility, and thermodynamic stability) performed at Invitae indicates that this missense variant is not expected to disrupt ABCA4 protein function. This variant has not been reported in the literature in individuals with ABCA4-related conditions. This variant is not present in population databases (ExAC no frequency). This sequence change replaces proline with arginine at codon 2262 of the ABCA4 protein (p.Pro2262Arg). The proline residue is highly conserved and there is a moderate physicochemical difference between proline and arginine.

NM_000350.3(ABCA4):c.6785C>G (p.Pro2262Arg)

Gene: ABCA4 (ATP binding cassette subfamily A member 4; minus strand). Cytogenetic location: 1p22.1.
Variant type: single nucleotide variant.
Coding change: c.6785C>G on transcript NM_000350.3 (MANE Select); coding-DNA position 6785, C replaced by G.
Protein change: p.Pro2262Arg; replaces proline 2262 with arginine.
Molecular consequence: missense variant.
Genome position (GRCh38, 1-based): chr1:93,996,140, G>C on the plus strand (C>G on the coding strand, the complement: ABCA4 is on the minus strand). VCF-style: chr1-93996140-G-C. GRCh37 (hg19) VCF-style: chr1-94461696-G-C.
Other names: c.6563C>G, p.Pro2188Arg (NM_001425324.1); short protein forms P2262R, P2188R.
Identifiers: ClinVar variation 1350445 (VCV001350445.8), dbSNP rs1283482726, ClinGen allele CA341275720.
Genomic context (GRCh38, chr1:93,996,140, plus strand): 5'-GCTGTGGACTGCATAAGCAGCAGGGGTACCTGGGCTTGTCGACTGGCTCCAGCAGCTCGA[G>C]GGTGCAGAGGGAGGTCATGACTTTCAGTCTGCTGTTTAGCAAAATTTACAAACACCTAGA-3'
Protein context (NP_000341.2, residues 2252-2272): QTESHDLPLH[Pro2262Arg]RAAGASRQAQ